The following is an entry in ClinVar:

NM_001161352.2(KCNMA1):c.2709T>C (p.Pro903=)

Genes: KCNMA1-AS1 (KCNMA1 antisense RNA 1; plus strand), KCNMA1 (potassium calcium-activated channel subfamily M alpha 1; minus strand). Cytogenetic location: 10q22.3.
Variant type: single nucleotide variant.
Coding change: c.2709T>C on transcript NM_001161352.2 (MANE Select); coding-DNA position 2709, T replaced by C.
Protein change: p.Pro903=; no amino-acid change (proline 903 retained).
Molecular consequence: synonymous variant.
Genome position (GRCh38, 1-based): chr10:76,949,142, A>G on the plus strand (T>C on the coding strand, the complement: KCNMA1 is on the minus strand). VCF-style: chr10-76949142-A-G. GRCh37 (hg19) VCF-style: chr10-78708900-A-G.
Other names: c.2547T>C, p.Pro849= (NM_001014797.3, NM_001322835.2, NM_001322837.2); c.2658T>C, p.Pro886= (NM_001161353.2); c.2385T>C, p.Pro795= (NM_001271518.2); c.2544T>C, p.Pro848= (NM_001271519.2, NM_001322829.2, NM_001322836.2); c.2556T>C, p.Pro852= (NM_001322830.2); c.2535T>C, p.Pro845= (NM_001322832.2, NM_001410940.1, NM_002247.4); c.2082T>C, p.Pro694= (NM_001322838.2).
Identifiers: ClinVar variation 2796372 (VCV002796372.3), dbSNP rs2550161658, ClinGen allele CA470511060.

ClinVar aggregate classification (germline): Uncertain significance (1 of 4 stars; one submission).

Conditions:
Generalized epilepsy-paroxysmal dyskinesia syndrome (PNKD3). Also called: Generalized epilepsy and paroxysmal dyskinesia; Paroxysmal nonkinesigenic dyskinesia, 3, with or without generalized epilepsy. Identifiers: Orphanet 79137, MedGen C5574945, MONDO:0012276, OMIM 609446.

Submission:

Labcorp Genetics (formerly Invitae), Labcorp
Classification: Uncertain significance for Generalized epilepsy-paroxysmal dyskinesia syndrome. Last evaluated: 2023-12-21. Review status: criteria provided, single submitter. Criteria: Invitae Variant Classification Sherloc (09022015). Collection method: clinical testing. Allele origin: germline.
Comment: This sequence change affects codon 845 of the KCNMA1 mRNA. It is a 'silent' change, meaning that it does not change the encoded amino acid sequence of the KCNMA1 protein. It affects a nucleotide within the consensus splice site. This variant is not present in population databases (gnomAD no frequency). This variant has not been reported in the literature in individuals affected with KCNMA1-related conditions. Algorithms developed to predict the effect of sequence changes on RNA splicing suggest that this variant is not likely to affect RNA splicing. In summary, the available evidence is currently insufficient to determine the role of this variant in disease. Therefore, it has been classified as a Variant of Uncertain Significance.